The following is an entry in ClinVar:

NM_014423.4(AFF4):c.123+3A>G

Gene: AFF4 (ALF transcription elongation factor 4; minus strand). Cytogenetic location: 5q31.1.
Variant type: single nucleotide variant.
Coding change: c.123+3A>G on transcript NM_014423.4 (MANE Select); 3 bases into the intron after coding-DNA position 123, A replaced by G.
Molecular consequence: intron variant.
Genome position (GRCh38, 1-based): chr5:132,937,064, T>C on the plus strand (A>G on the coding strand, the complement: AFF4 is on the minus strand). VCF-style: chr5-132937064-T-C. GRCh37 (hg19) VCF-style: chr5-132272756-T-C.
Identifiers: ClinVar variation 1373344 (VCV001373344.6), dbSNP rs1761449425, ClinGen allele CA1583377377.

ClinVar aggregate classification (germline): Uncertain significance (1 of 4 stars; one submission).

Conditions:
Cognitive impairment - coarse facies - heart defects - obesity - pulmonary involvement - short stature - skeletal dysplasia syndrome. Also called: COGNITIVE IMPAIRMENT, COARSE FACIES, HEART DEFECTS, OBESITY, PULMONARY INVOLVEMENT, SHORT STATURE, AND SKELETAL DYSPLASIA; Chops syndrome; AFF4-Related CHOPS Syndrome. Identifiers: Orphanet 444077, MedGen C4085597, MONDO:0014609, OMIM 616368.

Allele frequency attached by ClinVar (database versions not stated): TOPMed below 0.00001.

Submission:

Labcorp Genetics (formerly Invitae), Labcorp
Classification: Uncertain significance for Cognitive impairment - coarse facies - heart defects - obesity - pulmonary involvement - short stature - skeletal dysplasia syndrome. Last evaluated: 2022-08-23. Review status: criteria provided, single submitter. Criteria: Invitae Variant Classification Sherloc (09022015). Collection method: clinical testing. Allele origin: germline.
Comment: In summary, the available evidence is currently insufficient to determine the role of this variant in disease. Therefore, it has been classified as a Variant of Uncertain Significance. Variants that disrupt the consensus splice site are a relatively common cause of aberrant splicing (PMID: 17576681, 9536098). Algorithms developed to predict the effect of sequence changes on RNA splicing suggest that this variant is not likely to affect RNA splicing. ClinVar contains an entry for this variant (Variation ID: 1373344). This variant has not been reported in the literature in individuals affected with AFF4-related conditions. This variant is not present in population databases (gnomAD no frequency). This sequence change falls in intron 2 of the AFF4 gene. It does not directly change the encoded amino acid sequence of the AFF4 protein. It affects a nucleotide within the consensus splice site.

Literature cited by the submitters: PubMed 17576681; PubMed 9536098.